The following is an entry in ClinVar:

ClinVar aggregate classification (germline): Conflicting classifications of pathogenicity. Review status: criteria provided, conflicting classifications (1 of 4 stars). 3 submissions from 3 submitters: Uncertain significance (1); Likely benign (2). Last evaluated 2025-06-02.

Conditions:
Inborn genetic diseases. Identifiers: MedGen C0950123, MeSH D030342.
Microcephaly 5, primary, autosomal recessive (MCPH5). Also called: ASPM Primary Microcephaly. Identifiers: Orphanet 2512, MedGen C1837501, MONDO:0012106, OMIM 608716.

Allele frequency attached by ClinVar (database versions not stated): gnomAD exomes 0.00004; gnomAD 0.00007; ExAC 0.00008; TOPMed 0.00012.
gnomAD v4.1: 68 of 1,612,822 alleles (0.0042%); highest among the groups gnomAD compares: East Asian, 0.14%; no homozygotes.

Submissions (3):

Labcorp Genetics (formerly Invitae), Labcorp
Classification: Likely benign. Last evaluated: 2025-06-02. Review status: criteria provided, single submitter. Criteria: Invitae Variant Classification Sherloc (09022015). Collection method: clinical testing. Allele origin: germline.

Ambry Genetics
Classification: Likely benign for Inborn genetic diseases. Last evaluated: 2023-02-27. Review status: criteria provided, single submitter. Criteria: Ambry Variant Classification Scheme 2023. Collection method: clinical testing. Allele origin: germline.

Victorian Clinical Genetics Services, Murdoch Childrens Research Institute
Classification: Uncertain significance for Microcephaly 5, primary, autosomal recessive. Last evaluated: 2020-07-02. Review status: criteria provided, single submitter. Criteria: ACMG Guidelines, 2015. Collection method: clinical testing. Allele origin: germline. Inheritance: Autosomal recessive inheritance. Affected: yes.
Comment: Based on the classification scheme VCGS_Germline_v1.1.1, this variant is classified as 3C-VUS. Following criteria are met: 0102 - Loss-of-function is a known mechanism of disease for this gene. Disease-associated missense variants in this gene are rare but they have been reported (ClinVar, PMIDs: 20978018, 28004384). (N) 0106 - This gene is known to be associated with autosomal recessive disease. (N) 0200 - Variant is predicted to result in a missense amino acid change from threonine to lysine (exon 18). (N) 0251 - Variant is heterozygous. (N) 0304 - Variant is present in gnomAD v2 <0.01 for a recessive condition (43 heterozygotes, 0 homozygotes). (P) 0503 - Missense variant consistently predicted to be tolerated or not conserved in mammals with a minor amino acid change. (B) 0604 - Variant is not located in an established domain, motif, hotspot or informative constraint region. (N) 0705 - No comparable variants have previous evidence for pathogenicity. (N) 0807 - Variant has not previously been reported in a clinical context. (N) 0905 - No segregation evidence has been identified for this variant. (N) 1007 - No published functional evidence has been identified for this variant. (N) 1208 - Inheritance information for this variant is not currently available. (N) Legend: (P) - Pathogenic, (N) - Neutral, (B) - Benign

Literature cited by the submitters: PubMed 20978018 (cited by Victorian Clinical Genetics Services, Murdoch Childrens Research Institute); PubMed 28004384 (cited by Victorian Clinical Genetics Services, Murdoch Childrens Research Institute).

NM_018136.5(ASPM):c.5600C>A (p.Thr1867Lys)

Gene: ASPM (assembly factor for spindle microtubules; minus strand). Cytogenetic location: 1q31.3.
Variant type: single nucleotide variant.
Coding change: c.5600C>A on transcript NM_018136.5 (MANE Select); coding-DNA position 5600, C replaced by A.
Protein change: p.Thr1867Lys; replaces threonine 1867 with lysine.
Molecular consequence: missense variant. On other transcripts: intron variant (1).
Genome position (GRCh38, 1-based): chr1:197,103,651, G>T on the plus strand (C>A on the coding strand, the complement: ASPM is on the minus strand). VCF-style: chr1-197103651-G-T. GRCh37 (hg19) VCF-style: chr1-197072781-G-T.
Other names: c.4066-7487C>A (NM_001206846.2); short protein forms T1867K.
Identifiers: ClinVar variation 1805120 (VCV001805120.7), dbSNP rs753900028, ClinGen allele CA1309726.
Genomic context (GRCh38, chr1:197,103,651, plus strand): 5'-CCACGATAAGCAGACTGGAGGGAAATCACAGCTGCCTTTGTCTTCAAAAAATGTGTTCTT[G>T]TATCATGAAGAGTCTTGTACGCCCTGTACCATCTCTGAATCTTTATTATAGATTGAAGCA-3'
Protein context (NP_060606.3, residues 1857-1877): WYRAYKTLHD[Thr1867Lys]RTHFLKTKAA